The following is an entry in ClinVar:

ClinVar aggregate classification (germline): Uncertain significance (1 of 4 stars; one submission).

gnomAD v4.1: 1 of 1,613,428 alleles (0.000062%); highest among the groups gnomAD compares: South Asian, 0.0011%; no homozygotes.

Submission:

Labcorp Genetics (formerly Invitae), Labcorp
Classification: Uncertain significance. Last evaluated: 2024-12-24. Review status: criteria provided, single submitter. Criteria: Invitae Variant Classification Sherloc (09022015). Collection method: clinical testing. Allele origin: germline.
Comment: This sequence change replaces arginine, which is basic and polar, with threonine, which is neutral and polar, at codon 998 of the HPS5 protein (p.Arg998Thr). This variant is present in population databases (rs752569297, gnomAD 0.003%). This variant has not been reported in the literature in individuals affected with HPS5-related conditions. An algorithm developed to predict the effect of missense changes on protein structure and function (PolyPhen-2) suggests that this variant is likely to be disruptive. In summary, the available evidence is currently insufficient to determine the role of this variant in disease. Therefore, it has been classified as a Variant of Uncertain Significance.

NM_181507.2(HPS5):c.2993G>C (p.Arg998Thr)

Gene: HPS5 (HPS5 biogenesis of lysosomal organelles complex 2 subunit 2; minus strand). Cytogenetic location: 11p15.1.
Variant type: single nucleotide variant.
Coding change: c.2993G>C on transcript NM_181507.2 (MANE Select); coding-DNA position 2993, G replaced by C.
Protein change: p.Arg998Thr; replaces arginine 998 with threonine.
Molecular consequence: missense variant.
Genome position (GRCh38, 1-based): chr11:18,283,860, C>G on the plus strand (G>C on the coding strand, the complement: HPS5 is on the minus strand). VCF-style: chr11-18283860-C-G. GRCh37 (hg19) VCF-style: chr11-18305407-C-G.
Other names: c.2651G>C, p.Arg884Thr (NM_007216.4, NM_181508.2); short protein forms R884T, R998T.
Identifiers: ClinVar variation 3727802 (VCV003727802.2).